The following is an entry in ClinVar:

ClinVar aggregate classification (germline): Pathogenic/Likely pathogenic. Review status: criteria provided, multiple submitters, no conflicts (2 of 4 stars). 2 submissions from 2 submitters: Pathogenic (1); Likely pathogenic (1). Last evaluated 2022-07-11.

Conditions:
Familial cancer of breast. Also called: Hereditary breast cancer; BREAST CANCER, FAMILIAL; hereditary breast carcinoma. Identifiers: Orphanet 227535, MedGen C0346153, MONDO:0016419, OMIM 114480. Disease mechanism: loss of function.
PALB2-related disorder. Also called: PALB2-related condition; PALB2-related disorders.

Submissions (2):

Blueprint Genetics
Classification: Likely pathogenic for PALB2-related disorders. Last evaluated: 2022-07-11. Review status: criteria provided, single submitter. Criteria: ACMG Guidelines, 2015. Collection method: clinical testing. Allele origin: germline. Affected: yes. Observed: 1 variant allele.

Labcorp Genetics (formerly Invitae), Labcorp
Classification: Pathogenic for Familial cancer of breast. Last evaluated: 2020-08-20. Review status: criteria provided, single submitter. Criteria: Invitae Variant Classification Sherloc (09022015). Collection method: clinical testing. Allele origin: germline.
Comment: Loss-of-function variants in PALB2 are known to be pathogenic (PMID: 17200668, 24136930, 25099575). For these reasons, this variant has been classified as Pathogenic. This variant has not been reported in the literature in individuals with PALB2-related conditions. This sequence change creates a premature translational stop signal (p.Gln260Profs*20) in the PALB2 gene. It is expected to result in an absent or disrupted protein product. This variant is not present in population databases (ExAC no frequency).

Literature cited by the submitters: PubMed 17200668 (cited by Labcorp Genetics (formerly Invitae), Labcorp); PubMed 24136930 (cited by Labcorp Genetics (formerly Invitae), Labcorp); PubMed 25099575 (cited by Labcorp Genetics (formerly Invitae), Labcorp).

NM_024675.4(PALB2):c.778_779insCC (p.Gln260fs)

Gene: PALB2 (partner and localizer of BRCA2; minus strand). Cytogenetic location: 16p12.2.
Variant type: Insertion.
Coding change: c.778_779insCC on transcript NM_024675.4 (MANE Select); coding-DNA positions 778 to 779, CC inserted.
Protein change: p.Gln260fs; shifts the reading frame from glutamine 260.
Molecular consequence: frameshift variant.
Genome position: GRCh38 VCF-style: chr16-23635767-T-TGG. GRCh37 (hg19) VCF-style: chr16-23647088-T-TGG.
Other names: short protein forms Q260fs.
Identifiers: ClinVar variation 1074754 (VCV001074754.9), dbSNP rs2142434725, ClinGen allele CA2499223449.